The following is an entry in ClinVar:

ClinVar aggregate classification (germline): Uncertain significance. Review status: criteria provided, multiple submitters, no conflicts (2 of 4 stars). 4 submissions from 4 submitters: Uncertain significance (4). Last evaluated 2025-11-17.

Conditions:
Hereditary cancer-predisposing syndrome. Also called: Tumor predisposition; Neoplastic Syndromes, Hereditary; Hereditary Cancer Syndrome; Hereditary neoplastic syndrome. Identifiers: Orphanet 140162, MedGen C0027672, MeSH D009386, MONDO:0015356.
POLD1-related polyposis and colorectal cancer syndrome (CRCS10). Also called: Colorectal cancer 10; COLORECTAL CANCER, SUSCEPTIBILITY TO, ON CHROMOSOME 19q; Colorectal cancer, susceptibility to, 10. Identifiers: Orphanet 220460, MedGen C2675481, MONDO:0012953, OMIM 612591.
POLD1-related disorder. Also called: POLD1-related condition; POLD1-related disorders.

Allele frequency attached by ClinVar (database versions not stated): gnomAD 0.00001; gnomAD exomes 0.00001; TOPMed 0.00001; ExAC 0.00011.
gnomAD v4.1: 16 of 1,563,992 alleles (0.001%); highest among the groups gnomAD compares: Admixed American, 0.0019%; no homozygotes.

Submissions (4):

Labcorp Genetics (formerly Invitae), Labcorp
Classification: Uncertain significance for POLD1-related polyposis and colorectal cancer syndrome. Last evaluated: 2025-11-17. Review status: criteria provided, single submitter. Criteria: Invitae Variant Classification Sherloc (09022015). Collection method: clinical testing. Allele origin: germline.
Comment: This sequence change replaces arginine, which is basic and polar, with histidine, which is basic and polar, at codon 990 of the POLD1 protein (p.Arg990His). The frequency data for this variant in the population databases is considered unreliable, as metrics indicate poor data quality at this position in the gnomAD database. This variant has not been reported in the literature in individuals affected with POLD1-related conditions. ClinVar contains an entry for this variant (Variation ID: 537051). Invitae Evidence Modeling of protein sequence and biophysical properties (such as structural, functional, and spatial information, amino acid conservation, physicochemical variation, residue mobility, and thermodynamic stability) indicates that this missense variant is expected to disrupt POLD1 protein function with a positive predictive value of 80%. In summary, the available evidence is currently insufficient to determine the role of this variant in disease. Therefore, it has been classified as a Variant of Uncertain Significance.

GeneDx
Classification: Uncertain significance. Last evaluated: 2025-04-21. Review status: criteria provided, single submitter. Criteria: GeneDx Variant Classification Process June 2021. Collection method: clinical testing. Allele origin: germline. Affected: yes.
Comment: Not observed at significant frequency in large population cohorts (gnomAD); In silico analysis supports that this missense variant has a deleterious effect on protein structure/function; Has not been previously published as pathogenic or benign to our knowledge; This variant is associated with the following publications: (PMID: 29056344)

PreventionGenetics, part of Exact Sciences
Classification: Uncertain significance for POLD1-related condition. Last evaluated: 2023-10-09. Review status: criteria provided, single submitter. Criteria: ACMG Guidelines, 2015. Collection method: clinical testing. Allele origin: germline.
Comment: The POLD1 c.2969G>A variant is predicted to result in the amino acid substitution p.Arg990His. To our knowledge, this variant has not been reported in the literature. This variant is reported in 0.0056% of alleles in individuals of African descent in gnomAD. It is interpreted as uncertain in ClinVar. At this time, the clinical significance of this variant is uncertain due to the absence of conclusive functional and genetic evidence.

Ambry Genetics
Classification: Uncertain significance for Hereditary cancer-predisposing syndrome. Last evaluated: 2023-09-25. Review status: criteria provided, single submitter. Criteria: Ambry Variant Classification Scheme 2023. Collection method: clinical testing. Allele origin: germline.
Comment: The p.R990H variant (also known as c.2969G>A), located in coding exon 23 of the POLD1 gene, results from a G to A substitution at nucleotide position 2969. The arginine at codon 990 is replaced by histidine, an amino acid with highly similar properties. This amino acid position is conserved. In addition, this alteration is predicted to be tolerated by in silico analysis. Since supporting evidence is limited at this time, the clinical significance of this alteration remains unclear.

NM_002691.4(POLD1):c.2969G>A (p.Arg990His)

Gene: POLD1 (DNA polymerase delta 1, catalytic subunit; plus strand). Cytogenetic location: 19q13.33.
Variant type: single nucleotide variant.
Coding change: c.2969G>A on transcript NM_002691.4 (MANE Select); coding-DNA position 2969, G replaced by A.
Protein change: p.Arg990His; replaces arginine 990 with histidine.
Molecular consequence: missense variant. On other transcripts: non-coding transcript variant (1).
Genome position (GRCh38, 1-based): chr19:50,416,625, G>A. VCF-style: chr19-50416625-G-A. GRCh37 (hg19) VCF-style: chr19-50919882-G-A.
Other names: c.2969G>A, p.Arg990His (NM_001256849.1); c.3047G>A, p.Arg1016His (NM_001308632.1); short protein forms R990H, R1016H.
Identifiers: ClinVar variation 537051 (VCV000537051.16), dbSNP rs771789997, ClinGen allele CA9596717.